The following is an entry in ClinVar:

NM_006257.5(PRKCQ):c.989C>T (p.Pro330Leu)

Gene: PRKCQ (protein kinase C theta; minus strand). Cytogenetic location: 10p15.1.
Variant type: single nucleotide variant.
Coding change: c.989C>T on transcript NM_006257.5 (MANE Select); coding-DNA position 989, C replaced by T.
Protein change: p.Pro330Leu; replaces proline 330 with leucine.
Molecular consequence: missense variant.
Genome position (GRCh38, 1-based): chr10:6,485,181, G>A on the plus strand (C>T on the coding strand, the complement: PRKCQ is on the minus strand). VCF-style: chr10-6485181-G-A. GRCh37 (hg19) VCF-style: chr10-6527143-G-A.
Other names: c.989C>T, p.Pro330Leu (NM_001242413.2, NM_001323265.1); c.881C>T, p.Pro294Leu (NM_001282644.2, NM_001323267.2); c.614C>T, p.Pro205Leu (NM_001282645.1, NM_001323266.2); short protein forms P205L, P294L, P330L.
Identifiers: ClinVar variation 586982 (VCV000586982.9), dbSNP rs2236379, ClinGen allele CA5399338.

ClinVar aggregate classification (germline): Conflicting classifications of pathogenicity. Review status: criteria provided, conflicting classifications (1 of 4 stars). 4 submissions from 4 submitters: Pathogenic (1); Benign (2). 1 of the submissions does not count toward it. Last evaluated 2025-07-30.

Conditions:
Inflammatory bowel disease 1 (IBD1). Also called: INFLAMMATORY BOWEL DISEASE (CROHN DISEASE) 1; Inflammatory bowel disease 1, Crohn disease. Identifiers: MedGen CN260071, MONDO:0009960, OMIM 266600.

Allele frequency attached by ClinVar (database versions not stated): ESP Exome Variant Server 0.28310; gnomAD 0.29559 and 0.30095; ExAC 0.30475; gnomAD exomes 0.30533 and 0.27348; TOPMed 0.31271; 1000 Genomes Project 30x 0.36384; 1000 Genomes Project 0.36542.
gnomAD v4.1: 446,039 of 1,612,426 alleles (28%); highest among the groups gnomAD compares: East Asian, 44%; 65,086 homozygotes.

Submissions (4):

Genomic Medicine Center of Excellence, King Faisal Specialist Hospital and Research Centre
Classification: Pathogenic for Inflammatory bowel disease 1. Last evaluated: 2025-07-30. Review status: criteria provided, single submitter. Criteria: ACMG Guidelines, 2015. Collection method: clinical testing. Allele origin: germline.

GeneDx
Classification: Benign. Last evaluated: 2020-04-30. Review status: criteria provided, single submitter. Criteria: GeneDx Variant Classification Process June 2021. Collection method: clinical testing. Allele origin: germline. Affected: yes.
Comment: This variant is associated with the following publications: (PMID: 30828974)

Breakthrough Genomics
Classification: Benign. Review status: criteria provided, single submitter. Criteria: ACMG Guidelines, 2015. Collection method: not provided. Allele origin: germline. Inheritance: Unknown mechanism. Affected: yes.

Lab of Gastroenterology, College of Medicine, First Affiliate Hospital of Zhejiang University
Classification: Pathogenic for Inflammatory bowel disease 1. Review status: no assertion criteria provided. Collection method: case-control. Allele origin: somatic. Inheritance: Somatic mutation. Affected: yes. Observed: 98 homozygotes. Not counted in ClinVar's aggregate classification.